The following is an entry in ClinVar:

NM_001371623.1(TCOF1):c.3914G>T (p.Trp1305Leu)

Gene: TCOF1 (treacle ribosome biogenesis factor 1; plus strand). Cytogenetic location: 5q32.
Variant type: single nucleotide variant.
Coding change: c.3914G>T on transcript NM_001371623.1 (MANE Select); coding-DNA position 3914, G replaced by T.
Protein change: p.Trp1305Leu; replaces tryptophan 1305 with leucine.
Molecular consequence: missense variant.
Genome position (GRCh38, 1-based): chr5:150,396,411, G>T. VCF-style: chr5-150396411-G-T. GRCh37 (hg19) VCF-style: chr5-149775974-G-T.
Other names: c.3680G>T, p.Trp1227Leu (NM_000356.4); c.3911G>T, p.Trp1304Leu (NM_001135243.2); c.3800G>T, p.Trp1267Leu (NM_001135244.2); c.3683G>T, p.Trp1228Leu (NM_001135245.2); c.3797G>T, p.Trp1266Leu (NM_001195141.2); short protein forms W1227L, W1267L, W1305L, W1266L, W1228L, W1304L.
Identifiers: ClinVar variation 2050226 (VCV002050226.4), dbSNP rs1239944388, ClinGen allele CA361741637.

ClinVar aggregate classification (germline): Uncertain significance (1 of 4 stars; one submission).

Conditions:
Treacher Collins syndrome 1 (TCS1). Also called: TCOF1-Related Treacher Collins Syndrome. Identifiers: Orphanet 861, MedGen CN315775, MONDO:0007944, OMIM 154500.

Allele frequency attached by ClinVar (database versions not stated): gnomAD exomes below 0.00001.
gnomAD v4.1: 1 of 1,614,038 alleles (0.000062%); highest among the groups gnomAD compares: Admixed American, 0.0017%; no homozygotes.

Submission:

Labcorp Genetics (formerly Invitae), Labcorp
Classification: Uncertain significance for Treacher Collins syndrome 1. Last evaluated: 2022-03-16. Review status: criteria provided, single submitter. Criteria: Invitae Variant Classification Sherloc (09022015). Collection method: clinical testing. Allele origin: germline.
Comment: This sequence change replaces tryptophan, which is neutral and slightly polar, with leucine, which is neutral and non-polar, at codon 1304 of the TCOF1 protein (p.Trp1304Leu). This variant is present in population databases (no rsID available, gnomAD 0.003%). In summary, the available evidence is currently insufficient to determine the role of this variant in disease. Therefore, it has been classified as a Variant of Uncertain Significance. Algorithms developed to predict the effect of missense changes on protein structure and function are either unavailable or do not agree on the potential impact of this missense change (SIFT: "Deleterious"; PolyPhen-2: "Probably Damaging"; Align-GVGD: "Class C0"). This variant has not been reported in the literature in individuals affected with TCOF1-related conditions.